The following is an entry in ClinVar:

ClinVar aggregate classification (germline): Uncertain significance (1 of 4 stars; one submission).

Conditions:
Aortic valve disease 2 (AOVD2). Identifiers: MedGen C3542024, MONDO:0013902, OMIM 614823.

Submission:

Labcorp Genetics (formerly Invitae), Labcorp
Classification: Uncertain significance for Aortic valve disease 2. Last evaluated: 2025-05-11. Review status: criteria provided, single submitter. Criteria: Invitae Variant Classification Sherloc (09022015). Collection method: clinical testing. Allele origin: germline.
Comment: This sequence change replaces alanine, which is neutral and non-polar, with glycine, which is neutral and non-polar, at codon 141 of the SMAD6 protein (p.Ala141Gly). This variant is not present in population databases (gnomAD no frequency). This variant has not been reported in the literature in individuals affected with SMAD6-related conditions. ClinVar contains an entry for this variant (Variation ID: 2739880). An algorithm developed to predict the effect of missense changes on protein structure and function (PolyPhen-2) suggests that this variant is likely to be tolerated. In summary, the available evidence is currently insufficient to determine the role of this variant in disease. Therefore, it has been classified as a Variant of Uncertain Significance.

NM_005585.5(SMAD6):c.422C>G (p.Ala141Gly)

Gene: SMAD6 (SMAD family member 6; plus strand). Cytogenetic location: 15q22.31.
Variant type: single nucleotide variant.
Coding change: c.422C>G on transcript NM_005585.5 (MANE Select); coding-DNA position 422, C replaced by G.
Protein change: p.Ala141Gly; replaces alanine 141 with glycine.
Molecular consequence: missense variant. On other transcripts: non-coding transcript variant (1).
Genome position (GRCh38, 1-based): chr15:66,703,680, C>G. VCF-style: chr15-66703680-C-G. GRCh37 (hg19) VCF-style: chr15-66996018-C-G.
Other names: short protein forms A141G.
Identifiers: ClinVar variation 2739880 (VCV002739880.3), dbSNP rs2545311678, ClinGen allele CA392949523.